The following is an entry in ClinVar:

NM_014263.4(YME1L1):c.692-4C>T

Gene: YME1L1 (YME1 like 1 ATPase; minus strand). Cytogenetic location: 10p12.1.
Variant type: single nucleotide variant.
Coding change: c.692-4C>T on transcript NM_014263.4 (MANE Select); 4 bases into the intron before coding-DNA position 692, C replaced by T.
Molecular consequence: intron variant.
Genome position (GRCh38, 1-based): chr10:27,134,126, G>A on the plus strand (C>T on the coding strand, the complement: YME1L1 is on the minus strand). VCF-style: chr10-27134126-G-A. GRCh37 (hg19) VCF-style: chr10-27423055-G-A.
Other names: c.593-4C>T (NM_001253866.2); c.863-4C>T (NM_139312.3).
Identifiers: ClinVar variation 3043033 (VCV003043033.2), dbSNP rs760584972, ClinGen allele CA5449518.

ClinVar aggregate classification (germline): Likely benign (0 of 4 stars; one submission).

Conditions:
YME1L1-related disorder. Also called: YME1L1-related condition.

Allele frequency attached by ClinVar (database versions not stated): gnomAD exomes 0.00001; ExAC 0.00003.
gnomAD v4.1: 12 of 1,606,584 alleles (0.00075%); highest among the groups gnomAD compares: East Asian, 0.027%; no homozygotes.

Submission:

PreventionGenetics, part of Exact Sciences
Classification: Likely benign for YME1L1-related condition. Last evaluated: 2019-06-26. Review status: no assertion criteria provided. Collection method: clinical testing. Allele origin: germline.
Comment: This variant is classified as likely benign based on ACMG/AMP sequence variant interpretation guidelines (Richards et al. 2015 PMID: 25741868, with internal and published modifications).